The following is an entry in ClinVar:

NM_020928.2(ZSWIM6):c.2869G>T (p.Val957Leu)

Gene: ZSWIM6 (zinc finger SWIM-type containing 6; plus strand). Cytogenetic location: 5q12.1.
Variant type: single nucleotide variant.
Coding change: c.2869G>T on transcript NM_020928.2 (MANE Select); coding-DNA position 2869, G replaced by T.
Protein change: p.Val957Leu; replaces valine 957 with leucine.
Molecular consequence: missense variant.
Genome position (GRCh38, 1-based): chr5:61,543,538, G>T. VCF-style: chr5-61543538-G-T. GRCh37 (hg19) VCF-style: chr5-60839365-G-T.
Other names: short protein forms V957L.
Identifiers: ClinVar variation 3365700 (VCV003365700.1).

ClinVar aggregate classification (germline): Uncertain significance (1 of 4 stars; one submission).

gnomAD v4.1: 1 of 1,551,020 alleles (0.000064%); highest among the groups gnomAD compares: Non-Finnish European, 0.000087%; no homozygotes.

Submission:

GeneDx
Classification: Uncertain significance. Last evaluated: 2023-12-18. Review status: criteria provided, single submitter. Criteria: GeneDx Variant Classification Process June 2021. Collection method: clinical testing. Allele origin: germline. Affected: yes.
Comment: Not observed at significant frequency in large population cohorts (gnomAD); In silico analysis supports that this missense variant does not alter protein structure/function; Has not been previously published as pathogenic or benign to our knowledge